The following is an entry in ClinVar:

ClinVar aggregate classification (germline): Likely pathogenic (3 of 4 stars; one submission).

Conditions:
Glanzmann thrombasthenia. Also called: PLATELET GLYCOPROTEIN IIb-IIIa DEFICIENCY; BLEEDING DISORDER, PLATELET-TYPE, 2; THROMBASTHENIA OF GLANZMANN AND NAEGELI; Thrombasthenia; Glanzmann's thrombasthenia. Identifiers: Orphanet 849, MedGen C0040015, MONDO:0100326.

Submission:

ClinGen Platelet Disorders Variant Curation Expert Panel, ClinGen
Classification: Likely pathogenic for Glanzmann thrombasthenia. Last evaluated: 2025-06-19. Review status: reviewed by expert panel. Criteria: ClinGen Platelet ACMG Specifications v2-1. Collection method: curation. Allele origin: germline. Inheritance: Autosomal recessive inheritance.
Comment: The NM_000419.5(ITGA2B):c.953C>T (p.Ser318Leu) missense variant has been reported in at least one patient (UPN 3 in PMID: 16879215) who displayed mucocutaneous bleeding and impaired aggregation with all agonists except ristocetin, which is highly specific for Glanzmann thrombasthenia (PP4_moderate). Additionally, αIIbβ3 surface expression was reduced to 20.1%, as measured by flow cytometry. UPN 3 is homozygous for this variant (PM3_supporting; PMID: 16879215). This variant is absent from gnomAD v4.1 (PM2_Supporting). The computational predictor REVEL gives a score of 0.852, which is above the ClinGen PD VCEP threshold of >0.7 and predicts a damaging effect on function (PP3). HEK 293 cells were transfected with Ser318Leu αIIb and wildtype β3 with immunoblotting from cell lysates finding mature αIIb in the normal αIIbβ3 cells, but only 6% of the normal value of mature αIIb in the Ser318Leu mutant. Expression <25% WT levels, indicates that this variant impacts protein function (PS3_moderate; PMID: 16359515). In summary, this variant meets the criteria to be classified as likely pathogenic for autosomal recessive Glanzmann Thrombasthenia based on the ACMG/AMP criteria applied, as specified by the ClinGen PD VCEP: PS3_moderate, PM2_supporting, PM3_supporting, PP4_moderate, PP3.

NM_000419.5(ITGA2B):c.953C>T (p.Ser318Leu)

Gene: ITGA2B (integrin subunit alpha 2b; minus strand). Cytogenetic location: 17q21.31.
Variant type: single nucleotide variant.
Coding change: c.953C>T on transcript NM_000419.5 (MANE Select); coding-DNA position 953, C replaced by T.
Protein change: p.Ser318Leu; replaces serine 318 with leucine.
Molecular consequence: missense variant.
Genome position (GRCh38, 1-based): chr17:44,383,939, G>A on the plus strand (C>T on the coding strand, the complement: ITGA2B is on the minus strand). VCF-style: chr17-44383939-G-A. GRCh37 (hg19) VCF-style: chr17-42461307-G-A.
Other names: NM_000419.5:c.953C>T; short protein forms S318L.
Identifiers: ClinVar variation 1879018 (VCV001879018.2), dbSNP rs2510082649, ClinGen allele CA399804787.